The following is an entry in ClinVar:

ClinVar aggregate classification (germline): Conflicting classifications of pathogenicity. Review status: criteria provided, conflicting classifications (1 of 4 stars). 4 submissions from 4 submitters: Uncertain significance (3); Likely benign (1). Last evaluated 2025-09-05.

Conditions:
Hereditary breast ovarian cancer syndrome. Also called: BRCA1- and BRCA2-Associated Hereditary Breast and Ovarian Cancer; Hereditary breast and ovarian cancer syndrome; Hereditary breast and ovarian cancer; Hereditary breast and ovarian cancer syndrome (HBOC); Breast and ovarian cancer; Hereditary breast and/or ovarian cancer syndrome. Identifiers: Orphanet 145, MedGen C0677776, MeSH D061325, MONDO:0003582. Disease mechanism: loss of function.
Hereditary cancer-predisposing syndrome. Also called: Hereditary neoplastic syndrome; Hereditary Cancer Syndrome; Neoplastic Syndromes, Hereditary; Tumor predisposition. Identifiers: Orphanet 140162, MedGen C0027672, MeSH D009386, MONDO:0015356.

Submissions (4):

Ambry Genetics
Classification: Uncertain significance for Hereditary cancer-predisposing syndrome. Last evaluated: 2025-09-05. Review status: criteria provided, single submitter. Criteria: Ambry Variant Classification Scheme 2023. Collection method: clinical testing. Allele origin: germline.
Comment: The p.E1456A variant (also known as c.4367A>C), located in coding exon 10 of the BRCA2 gene, results from an A to C substitution at nucleotide position 4367. The glutamic acid at codon 1456 is replaced by alanine, an amino acid with dissimilar properties. This amino acid position is well conserved in available vertebrate species. In addition, this alteration is predicted to be tolerated by in silico analysis. Based on the available evidence, the clinical significance of this variant remains unclear.

University of Washington Department of Laboratory Medicine, University of Washington
Classification: Likely benign for Hereditary cancer-predisposing syndrome. Last evaluated: 2023-03-23. Review status: criteria provided, single submitter. Criteria: Dines et al. (Genet Med. 2020). Collection method: curation. Allele origin: germline.
Comment: Missense variant in a coldspot region where missense variants are very unlikely to be pathogenic (PMID:31911673).

BRCA2 exon 11 coldspot. Reclassification based on statistical prior probability.

Color Diagnostics, LLC DBA Color Health
Classification: Uncertain significance for Hereditary cancer-predisposing syndrome. Last evaluated: 2019-01-29. Review status: criteria provided, single submitter. Criteria: ACMG Guidelines, 2015. Collection method: clinical testing. Allele origin: germline.

Labcorp Genetics (formerly Invitae), Labcorp
Classification: Uncertain significance for Hereditary breast ovarian cancer syndrome. Last evaluated: 2016-01-29. Review status: criteria provided, single submitter. Criteria: Invitae Variant Classification Sherloc (09022015). Collection method: clinical testing. Allele origin: germline.
Comment: In summary, this is a novel missense change with uncertain impact on protein function. It has been classified as a Variant of Uncertain Significance. Algorithms developed to predict the effect of missense changes on protein structure and function do not agree on the potential impact of this missense change (SIFT: "Tolerated"; PolyPhen-2: "Possibly Damaging"; Align-GVGD: "Class C0"). This variant is not present in population databases (ExAC no frequency) and has not been reported in the literature in individuals with a BRCA2-related disease. This sequence change replaces glutamic acid with alanine at codon 1456 of the BRCA2 protein (p.Glu1456Ala). The glutamic acid residue is moderately conserved and there is a moderate physicochemical difference between glutamic acid and alanine.

NM_000059.4(BRCA2):c.4367A>C (p.Glu1456Ala)

Gene: BRCA2 (BRCA2 DNA repair associated; plus strand). Cytogenetic location: 13q13.1.
Variant type: single nucleotide variant.
Coding change: c.4367A>C on transcript NM_000059.4 (MANE Select); coding-DNA position 4367, A replaced by C.
Protein change: p.Glu1456Ala; replaces glutamic acid 1456 with alanine.
Molecular consequence: missense variant.
Genome position (GRCh38, 1-based): chr13:32,338,722, A>C. VCF-style: chr13-32338722-A-C. GRCh37 (hg19) VCF-style: chr13-32912859-A-C.
Other names: short protein forms E1456A.
Identifiers: ClinVar variation 236868 (VCV000236868.13), dbSNP rs878853584, ClinGen allele CA10583105.